The following is an entry in ClinVar:

NM_001370259.2(MEN1):c.1177C>G (p.Gln393Glu)

Gene: MEN1 (menin 1; minus strand). Cytogenetic location: 11q13.1.
Variant type: single nucleotide variant.
Coding change: c.1177C>G on transcript NM_001370259.2 (MANE Select); coding-DNA position 1177, C replaced by G.
Protein change: p.Gln393Glu; replaces glutamine 393 with glutamic acid.
Molecular consequence: missense variant.
Genome position (GRCh38, 1-based): chr11:64,805,643, G>C on the plus strand (C>G on the coding strand, the complement: MEN1 is on the minus strand). VCF-style: chr11-64805643-G-C. GRCh37 (hg19) VCF-style: chr11-64573115-G-C.
Other names: c.1192C>G, p.Gln398Glu (NM_000244.4, NM_130800.3, NM_130801.3 and 3 more transcripts); c.1303C>G, p.Gln435Glu (NM_001370251.2); c.1177C>G, p.Gln393Glu (NM_001370260.2, NM_001370261.2, NM_130799.3); c.1072C>G, p.Gln358Glu (NM_001370262.2, NM_001370263.2); short protein forms Q393E, Q398E, Q358E, Q435E.
Identifiers: ClinVar variation 403828 (VCV000403828.18), dbSNP rs1060499984, ClinGen allele CA16613386.
Genomic context (GRCh38, chr11:64,805,643, plus strand): 5'-GAGCCCTGTCCAGGTGGGAGGCTGGACACAGGCTGGAGCTCCAGCCTTTCACCTGGCTTT[G>C]CTCCCCCGGCCGCTCCTCGCCCGCCTCCAGCAAGCTGGCTGCCTCCTTCAGCAGGTTGGG-3'
Protein context (NP_001357188.2, residues 383-403): LEAGEERPGE[Gln393Glu]SQGTQSQGSA

ClinVar aggregate classification (germline): Uncertain significance. Review status: criteria provided, multiple submitters, no conflicts (2 of 4 stars). 4 submissions from 4 submitters: Uncertain significance (4). Last evaluated 2025-12-05.

Conditions:
Hereditary cancer-predisposing syndrome. Also called: Neoplastic Syndromes, Hereditary; Tumor predisposition; Hereditary Cancer Syndrome; Hereditary neoplastic syndrome. Identifiers: Orphanet 140162, MedGen C0027672, MeSH D009386, MONDO:0015356.
Multiple endocrine neoplasia, type 1 (MEN1). Also called: MEN I; WERMER SYNDROME; Endocrine adenomatosis multiple; MEN 1; MEA I. Identifiers: Orphanet 652, MedGen C0025267, MeSH D018761, MONDO:0007540, OMIM 131100.

Submissions (4):

Labcorp Genetics (formerly Invitae), Labcorp
Classification: Uncertain significance for Multiple endocrine neoplasia, type 1. Last evaluated: 2025-12-05. Review status: criteria provided, single submitter. Criteria: Invitae Variant Classification Sherloc (09022015). Collection method: clinical testing. Allele origin: germline.
Comment: This sequence change replaces glutamine, which is neutral and polar, with glutamic acid, which is acidic and polar, at codon 393 of the MEN1 protein (p.Gln393Glu). This variant is not present in population databases (gnomAD no frequency). This missense change has been observed in individual(s) with personal and/or family history of breast and/or ovarian cancer (PMID: 31159747). This variant is also known as c.1192C>G (p.Gln398Glu). ClinVar contains an entry for this variant (Variation ID: 403828). Invitae Evidence Modeling of protein sequence and biophysical properties (such as structural, functional, and spatial information, amino acid conservation, physicochemical variation, residue mobility, and thermodynamic stability) has been performed for this missense variant. However, the output from this modeling did not meet the statistical confidence thresholds required to predict the impact of this variant on MEN1 protein function. In summary, the available evidence is currently insufficient to determine the role of this variant in disease. Therefore, it has been classified as a Variant of Uncertain Significance.

Ambry Genetics
Classification: Uncertain significance for Hereditary cancer-predisposing syndrome. Last evaluated: 2025-01-30. Review status: criteria provided, single submitter. Criteria: Ambry Variant Classification Scheme 2023. Collection method: clinical testing. Allele origin: germline.
Comment: The p.Q393E variant (also known as c.1177C>G), located in coding exon 7 of the MEN1 gene, results from a C to G substitution at nucleotide position 1177. The glutamine at codon 393 is replaced by glutamic acid, an amino acid with highly similar properties. This amino acid position is not well conserved in available vertebrate species. In addition, the in silico prediction for this alteration is inconclusive. Based on the available evidence, the clinical significance of this variant remains unclear.

Blueprint Genetics
Classification: Uncertain significance. Last evaluated: 2024-03-21. Review status: criteria provided, single submitter. Criteria: ACMG Guidelines, 2015. Collection method: clinical testing. Allele origin: germline.

GeneKor MSA
Classification: Uncertain significance for Hereditary cancer-predisposing syndrome. Last evaluated: 2018-08-01. Review status: criteria provided, single submitter. Criteria: ACMG Guidelines, 2015. Collection method: clinical testing. Allele origin: germline.

Literature cited by the submitters: PubMed 31159747 (cited by Labcorp Genetics (formerly Invitae), Labcorp).